The following is an entry in ClinVar:

ClinVar aggregate classification (germline): Uncertain significance (1 of 4 stars; one submission).

Submission:

GeneDx
Classification: Uncertain significance. Last evaluated: 2025-10-17. Review status: criteria provided, single submitter. Criteria: GeneDx Variant Classification Process June 2021. Collection method: clinical testing. Allele origin: germline. Affected: yes.
Comment: Not observed at significant frequency in large population cohorts (gnomAD); In silico analysis suggests that this missense variant does not alter protein structure/function; Has not been previously published as pathogenic or benign to our knowledge

NM_182931.3(KMT2E):c.2935T>A (p.Leu979Met)

Gene: KMT2E (lysine methyltransferase 2E (inactive); plus strand). Cytogenetic location: 7q22.3.
Variant type: single nucleotide variant.
Coding change: c.2935T>A on transcript NM_182931.3 (MANE Select); coding-DNA position 2935, T replaced by A.
Protein change: p.Leu979Met; replaces leucine 979 with methionine.
Molecular consequence: missense variant.
Genome position (GRCh38, 1-based): chr7:105,107,392, T>A. VCF-style: chr7-105107392-T-A. GRCh37 (hg19) VCF-style: chr7-104747839-T-A.
Other names: c.2935T>A, p.Leu979Met (NM_001410908.1, NM_018682.4); short protein forms L979M.
Identifiers: ClinVar variation 3393885 (VCV003393885.2).